The following is an entry in ClinVar:

ClinVar aggregate classification (germline): Uncertain significance (1 of 4 stars; one submission).

Conditions:
Long QT syndrome (LQTS). Identifiers: MedGen C0023976, MeSH D008133, MONDO:0002442. Disease mechanism: loss of function. Inheritance: Various modes of inheritance.

Allele frequency attached by ClinVar (database versions not stated): gnomAD exomes below 0.00001.

Submission:

Labcorp Genetics (formerly Invitae), Labcorp
Classification: Uncertain significance for Long QT syndrome. Last evaluated: 2023-07-18. Review status: criteria provided, single submitter. Criteria: Invitae Variant Classification Sherloc (09022015). Collection method: clinical testing. Allele origin: germline.
Comment: In summary, the available evidence is currently insufficient to determine the role of this variant in disease. Therefore, it has been classified as a Variant of Uncertain Significance. Algorithms developed to predict the effect of sequence changes on RNA splicing suggest that this variant may disrupt the consensus splice site. An algorithm developed to predict the effect of missense changes on protein structure and function (PolyPhen-2) suggests that this variant is likely to be disruptive. This variant has not been reported in the literature in individuals affected with KCNH2-related conditions. This variant is not present in population databases (gnomAD no frequency). This sequence change replaces phenylalanine, which is neutral and non-polar, with leucine, which is neutral and non-polar, at codon 991 of the KCNH2 protein (p.Phe991Leu).

NM_000238.4(KCNH2):c.2973C>G (p.Phe991Leu)

Gene: KCNH2 (potassium voltage-gated channel subfamily H member 2; minus strand). Cytogenetic location: 7q36.1.
Variant type: single nucleotide variant.
Coding change: c.2973C>G on transcript NM_000238.4 (MANE Select); coding-DNA position 2973, C replaced by G.
Protein change: p.Phe991Leu; replaces phenylalanine 991 with leucine.
Molecular consequence: missense variant. On other transcripts: non-coding transcript variant (2).
Genome position (GRCh38, 1-based): chr7:150,947,507, G>C on the plus strand (C>G on the coding strand, the complement: KCNH2 is on the minus strand). VCF-style: chr7-150947507-G-C. GRCh37 (hg19) VCF-style: chr7-150644595-G-C.
Other names: c.2685C>G, p.Phe895Leu (NM_001406753.1); c.1953C>G, p.Phe651Leu (NM_172057.3); short protein forms F651L, F895L, F991L.
Identifiers: ClinVar variation 2904771 (VCV002904771.3), dbSNP rs2486005340, ClinGen allele CA369853008.